The following is an entry in ClinVar:

ClinVar aggregate classification (germline): Pathogenic/Likely pathogenic. Review status: criteria provided, multiple submitters, no conflicts (2 of 4 stars). 7 submissions from 7 submitters: Pathogenic (3); Likely pathogenic (3). 1 of the submissions does not count toward it. Last evaluated 2026-08-06.

Conditions:
Hematuria, benign familial, 1 (BFH1). Also called: THIN MEMBRANE NEPHROPATHY. Identifiers: MedGen CN376803, MONDO:0007709, OMIM 141200.
Autosomal recessive Alport syndrome (ATS2). Also called: COL4A4 Alport Syndrome and Thin Basement Membrane Nephropathy; ALPORT SYNDROME 2, AUTOSOMAL RECESSIVE; COL4A3-Related Nephropathy; Alport syndrome type 2. Identifiers: Orphanet 63, Orphanet 88919, MedGen C4746745, MONDO:0008762, OMIM 203780.
Alport syndrome. Also called: Hemorrhagic familial nephritis; Hemorrhagic hereditary nephritis; Congenital hereditary hematuria. Identifiers: Orphanet 63, MedGen C1567741, MONDO:0018965.

Allele frequency attached by ClinVar (database versions not stated): ExAC 0.00001; gnomAD 0.00001.
gnomAD v4.1: 3 of 1,613,988 alleles (0.00019%); highest among the groups gnomAD compares: Non-Finnish European, 0.00025%; no homozygotes.

Submissions (7):

OLLIN Analises Genomicas, OLLIN
Classification: Likely pathogenic for Hematuria, benign familial, 1. Last evaluated: 2026-08-06. Review status: criteria provided, single submitter. Criteria: ACMG Guidelines 2015 PMID 25741868. Collection method: clinical testing. Allele origin: germline.
Comment: This missense variant, located in exon 22 (of 48), has been reported in ClinVar (accession VCV000554661.11), in gnomAD with an allele frequency of 0.00019%, and in the scientific literature, segregating with the phenotype, in individuals with COL4A4 related disorders (PMID: 35369551, 19129241). In silico analysis predicts that this variant has a deleterious effect. Another pathogenic variant affecting the same amino acid residue has been reported. This gene is constrained for missense variation (PMID: 19129241). According to the currently available evidence, this variant has been classified as likely pathogenic (PM2_P, PM5, PP1, PP2, PP3_S).

Natera, Inc.
Classification: Pathogenic for Alport syndrome. Last evaluated: 2025-09-18. Review status: criteria provided, single submitter. Criteria: Natera Variant Classification Schema (03/2026). Collection method: clinical testing. Allele origin: germline.
Comment: The c.1579G>T variant in COL4A4 is a missense variant predicted to cause substitution of glycine to cysteine at amino acid 527. This variant is rare in the general population with a frequency below the threshold expected for the associated phenotype(s). This variant has been observed in affected individual(s) with monoallelic occurrence (heterozygous/hemizygous) (PMID: 19129241, 39810285, 40004525). Additionally, this variant has been observed to segregate in affected family members (PMID: 19129241). This variant is located in a functionally critical region of the protein. Computational prediction algorithms indicate this variant is likely to affect gene or protein function. Given the available evidence, this variant is classified as Pathogenic.

Labcorp Genetics (formerly Invitae), Labcorp
Classification: Pathogenic. Last evaluated: 2025-03-10. Review status: criteria provided, single submitter. Criteria: Invitae Variant Classification Sherloc (09022015). Collection method: clinical testing. Allele origin: germline.
Comment: This sequence change replaces glycine, which is neutral and non-polar, with cysteine, which is neutral and slightly polar, at codon 527 of the COL4A4 protein (p.Gly527Cys). This variant is not present in population databases (gnomAD no frequency). This missense change has been observed in individual(s) with Alport syndrome (PMID: 19129241). It has also been observed to segregate with disease in related individuals. ClinVar contains an entry for this variant (Variation ID: 554661). Invitae Evidence Modeling of protein sequence and biophysical properties (such as structural, functional, and spatial information, amino acid conservation, physicochemical variation, residue mobility, and thermodynamic stability) indicates that this missense variant is expected to disrupt COL4A4 protein function with a positive predictive value of 95%. For these reasons, this variant has been classified as Pathogenic.

Myriad Genetics, Inc.
Classification: Likely pathogenic for Alport syndrome. Last evaluated: 2025-01-07. Review status: criteria provided, single submitter. Criteria: Myriad Autosomal Dominant, Autosomal Recessive and X-Linked Classification Criteria (2023). Collection method: clinical testing. Allele origin: unknown.
Comment: NM_000092.4(COL4A4):c.1579G>T(G527C) is a missense variant classified as likely pathogenic in the context of Alport syndrome, COL4A4-related. G527C has been observed in a case with relevant disease (PMID: 35419377). Relevant functional assessments of this variant are not available in the literature. G527C has been observed in referenced population frequency databases. In summary, NM_000092.4(COL4A4):c.1579G>T(G527C) is a missense variant that has been observed more frequently in cases with the relevant disease than in healthy populations. Please note: this variant was assessed in the context of healthy population screening.

3billion
Classification: Likely pathogenic for Autosomal recessive Alport syndrome. Last evaluated: 2024-07-30. Review status: criteria provided, single submitter. Criteria: ACMG Guidelines, 2015. Collection method: clinical testing. Allele origin: germline. Affected: yes.
Comment: The variant is observed at an extremely low frequency in the gnomAD v4.0.0 dataset (total allele frequency: <0.001%). In silico tool predictions suggest damaging effect of the variant on gene or gene product [REVEL: 0.99 (>=0.6)]. The same nucleotide change resulting in the same amino acid change has been previously reported to be associated with COL4A4-related disorder (ClinVar ID: VCV000554661 / PMID: 19129241). The variant has been observed in at least two similarly affected unrelated individuals (PMID: 19129241 / 3billion dataset). The variant has been reported to co-segregate with the disease in at least 3 similarly affected relatives/individuals in the same family or similarly affected unrelated family (PMID: 19129241). Different missense changes at the same codon (p.Gly527Arg, p.Gly527Asp, p.Gly527Val) have been reported as pathogenic/likely pathogenic with strong evidence (ClinVar ID: VCV001468539, VCV002031676 / PMID: 35369551). Therefore, this variant is classified as likely pathogenic according to the recommendation of ACMG/AMP guideline.

Fulgent Genetics
Classification: Pathogenic for Hematuria, benign familial, 1; Autosomal recessive Alport syndrome. Last evaluated: 2024-06-04. Review status: criteria provided, single submitter. Criteria: ACMG Guidelines, 2015. Collection method: clinical testing. Allele origin: germline.

Counsyl
Classification: Likely pathogenic for Autosomal recessive Alport syndrome. Last evaluated: 2017-10-30. Review status: no assertion criteria provided. Collection method: clinical testing. Allele origin: unknown. Not counted in ClinVar's aggregate classification.

Literature cited by the submitters: PubMed 35369551 (cited by OLLIN Analises Genomicas, OLLIN); PubMed 19129241 (cited by 4 submitters); PubMed 39810285 (cited by Natera, Inc.); PubMed 40004525 (cited by Natera, Inc.); PubMed 35419377 (cited by Myriad Genetics, Inc.).

NM_000092.5(COL4A4):c.1579G>T (p.Gly527Cys)

Gene: COL4A4 (collagen type IV alpha 4 chain; minus strand). Cytogenetic location: 2q36.3.
Variant type: single nucleotide variant.
Coding change: c.1579G>T on transcript NM_000092.5 (MANE Select); coding-DNA position 1579, G replaced by T.
Protein change: p.Gly527Cys; replaces glycine 527 with cysteine.
Molecular consequence: missense variant.
Genome position (GRCh38, 1-based): chr2:227,088,697, C>A on the plus strand (G>T on the coding strand, the complement: COL4A4 is on the minus strand). VCF-style: chr2-227088697-C-A. GRCh37 (hg19) VCF-style: chr2-227953413-C-A.
Other names: short protein forms G527C.
Identifiers: ClinVar variation 554661 (VCV000554661.12), dbSNP rs779930511, ClinGen allele CA2145127.